The following is an entry in ClinVar:

ClinVar aggregate classification (germline): Pathogenic (1 of 4 stars; one submission).

Conditions:
Ellis-van Creveld syndrome (EVC). Also called: EVC-Related Ellis-van Creveld Syndrome; EVC2-Related Ellis-van Creveld Syndrome; MESOECTODERMAL DYSPLASIA; Chondroectodermal dysplasia. Identifiers: Orphanet 289, MedGen C0013903, MONDO:0009162, OMIM 225500.
Curry-Hall syndrome (WAD). Also called: WEYERS ACRODENTAL DYSOSTOSIS. Identifiers: Orphanet 952, MedGen C0457013, MONDO:0008673, OMIM 193530.

Allele frequency attached by ClinVar (database versions not stated): gnomAD exomes below 0.00001.
gnomAD v4.1: 4 of 1,614,064 alleles (0.00025%); highest among the groups gnomAD compares: Non-Finnish European, 0.00034%; no homozygotes.

Submission:

Labcorp Genetics (formerly Invitae), Labcorp
Classification: Pathogenic for Curry-Hall syndrome; Ellis-van Creveld syndrome. Last evaluated: 2022-07-20. Review status: criteria provided, single submitter. Criteria: Invitae Variant Classification Sherloc (09022015). Collection method: clinical testing. Allele origin: germline.
Comment: For these reasons, this variant has been classified as Pathogenic. Algorithms developed to predict the effect of sequence changes on RNA splicing suggest that this variant may create or strengthen a splice site. This variant has not been reported in the literature in individuals affected with EVC2-related conditions. This variant is not present in population databases (gnomAD no frequency). This sequence change creates a premature translational stop signal (p.Gln235*) in the EVC2 gene. It is expected to result in an absent or disrupted protein product. Loss-of-function variants in EVC2 are known to be pathogenic (PMID: 17024374, 19810119, 19876929).

Literature cited by the submitters: PubMed 17024374; PubMed 19810119; PubMed 19876929.

NM_147127.5(EVC2):c.703C>T (p.Gln235Ter)

Gene: EVC2 (EvC ciliary complex subunit 2; minus strand). Cytogenetic location: 4p16.2.
Variant type: single nucleotide variant.
Coding change: c.703C>T on transcript NM_147127.5 (MANE Select); coding-DNA position 703, C replaced by T.
Protein change: p.Gln235Ter; replaces glutamine 235 with a stop codon.
Molecular consequence: nonsense.
Genome position (GRCh38, 1-based): chr4:5,689,160, G>A on the plus strand (C>T on the coding strand, the complement: EVC2 is on the minus strand). VCF-style: chr4-5689160-G-A. GRCh37 (hg19) VCF-style: chr4-5690887-G-A.
Other names: c.463C>T, p.Gln155Ter (NM_001166136.2); short protein forms Q235*, Q155*.
Identifiers: ClinVar variation 2121849 (VCV002121849.4), dbSNP rs1421156255, ClinGen allele CA356148223.